The following is an entry in ClinVar:

NM_005142.3(CBLIF):c.1064C>G (p.Pro355Arg)

Gene: CBLIF (cobalamin binding intrinsic factor; minus strand). Cytogenetic location: 11q12.1.
Variant type: single nucleotide variant.
Coding change: c.1064C>G on transcript NM_005142.3 (MANE Select); coding-DNA position 1064, C replaced by G.
Protein change: p.Pro355Arg; replaces proline 355 with arginine.
Molecular consequence: missense variant.
Genome position (GRCh38, 1-based): chr11:59,835,817, G>C on the plus strand (C>G on the coding strand, the complement: CBLIF is on the minus strand). VCF-style: chr11-59835817-G-C. GRCh37 (hg19) VCF-style: chr11-59603290-G-C.
Other names: short protein forms P355R.
Identifiers: ClinVar variation 1005545 (VCV001005545.2), dbSNP rs201871926, ClinGen allele CA6021421.

ClinVar aggregate classification (germline): Uncertain significance (1 of 4 stars; one submission).

Conditions:
Hereditary intrinsic factor deficiency (IFD). Also called: Congenital intrinsic factor deficiency; PERNICIOUS ANEMIA, CONGENITAL, DUE TO DEFECT OF INTRINSIC FACTOR. Identifiers: Orphanet 332, MedGen C2062370, MONDO:0009852, OMIM 261000.

Allele frequency attached by ClinVar (database versions not stated): gnomAD exomes 0.00004 and 0.00010; ExAC 0.00006; ESP Exome Variant Server 0.00015; TOPMed 0.00037; 1000 Genomes Project 0.00040; gnomAD 0.00045 and 0.00046; 1000 Genomes Project 30x 0.00047.
gnomAD v4.1: 125 of 1,611,000 alleles (0.0078%); highest among the groups gnomAD compares: African/African-American, 0.15%; no homozygotes.

Submission:

Labcorp Genetics (formerly Invitae), Labcorp
Classification: Uncertain significance for Hereditary intrinsic factor deficiency. Last evaluated: 2022-10-05. Review status: criteria provided, single submitter. Criteria: Invitae Variant Classification Sherloc (09022015). Collection method: clinical testing. Allele origin: germline.
Comment: This sequence change replaces proline, which is neutral and non-polar, with arginine, which is basic and polar, at codon 355 of the GIF protein (p.Pro355Arg). This variant is present in population databases (rs201871926, gnomAD 0.2%). This variant has not been reported in the literature in individuals affected with GIF-related conditions. ClinVar contains an entry for this variant (Variation ID: 1005545). Algorithms developed to predict the effect of missense changes on protein structure and function (SIFT, PolyPhen-2, Align-GVGD) all suggest that this variant is likely to be tolerated. Algorithms developed to predict the effect of sequence changes on RNA splicing suggest that this variant may create or strengthen a splice site. In summary, the available evidence is currently insufficient to determine the role of this variant in disease. Therefore, it has been classified as a Variant of Uncertain Significance.